The following is an entry in ClinVar:

NM_001042492.3(NF1):c.5567dup (p.Asn1856fs)

Gene: NF1 (neurofibromin 1; plus strand). Cytogenetic location: 17q11.2.
Variant type: Duplication.
Coding change: c.5567dup on transcript NM_001042492.3 (MANE Select); coding-DNA position 5567, one base duplicated (A; older notation c.5567dupA).
Protein change: p.Asn1856fs; shifts the reading frame from asparagine 1856.
Molecular consequence: frameshift variant.
Genome position (GRCh38, 1-based): chr17:31,327,797, A duplicated; the last of 2 consecutive A bases (chr17:31,327,796-31,327,797); duplicating either gives the same sequence. VCF-style (leftmost placement, unchanged base first): chr17-31327795-C-CA. GRCh37 (hg19) VCF-style: chr17-29654813-C-CA.
Other names: c.5567dupA (NM_001042492.2); c.5504dup, p.Asn1835Lysfs (NM_000267.4); short protein forms N1835fs, N1856fs.
Identifiers: ClinVar variation 3029030 (VCV003029030.2), dbSNP rs2508708204, ClinGen allele CA2740095312.

ClinVar aggregate classification (germline): Likely pathogenic (0 of 4 stars; one submission).

Conditions:
NF1-related disorder. Also called: NF1-related condition. Identifiers: MedGen CN379171.

Submission:

PreventionGenetics, part of Exact Sciences
Classification: Likely pathogenic for NF1-related condition. Last evaluated: 2023-11-15. Review status: no assertion criteria provided. Collection method: clinical testing. Allele origin: germline.
Comment: The NF1 c.5567dupA variant is predicted to result in a frameshift and premature protein termination (p.Asn1856Lysfs*6). To our knowledge, this variant has not been reported in the literature or in a large population database, indicating this variant is rare. Frameshift variants in NF1 are expected to be pathogenic. This variant is interpreted as likely pathogenic.